The following is an entry in ClinVar:

NM_001378414.1(HDAC4):c.1021G>A (p.Ala341Thr)

Gene: HDAC4 (histone deacetylase 4; minus strand). Cytogenetic location: 2q37.3.
Variant type: single nucleotide variant.
Coding change: c.1021G>A on transcript NM_001378414.1 (MANE Select); coding-DNA position 1021, G replaced by A.
Protein change: p.Ala341Thr; replaces alanine 341 with threonine.
Molecular consequence: missense variant.
Genome position (GRCh38, 1-based): chr2:239,134,601, C>T on the plus strand (G>A on the coding strand, the complement: HDAC4 is on the minus strand). VCF-style: chr2-239134601-C-T. GRCh37 (hg19) VCF-style: chr2-240056297-C-T.
Other names: c.1021G>A, p.Ala341Thr (NM_001378415.1, NM_001378416.1, NM_001378417.1 and 1 more transcripts); short protein forms A341T.
Identifiers: ClinVar variation 2343698 (VCV002343698.24), dbSNP rs145474829, ClinGen allele CA2199941.

ClinVar aggregate classification (germline): Conflicting classifications of pathogenicity. Review status: criteria provided, conflicting classifications (1 of 4 stars). 2 submissions from 2 submitters: Uncertain significance (1); Likely benign (1). Last evaluated 2023-11-01.

Conditions:
Inborn genetic diseases. Identifiers: MedGen C0950123, MeSH D030342.

Allele frequency attached by ClinVar (database versions not stated): gnomAD 0.00007; ExAC 0.00011; ESP Exome Variant Server 0.00015; TOPMed 0.00015.
gnomAD v4.1: 103 of 1,614,046 alleles (0.0064%); highest among the groups gnomAD compares: Admixed American, 0.0083%; no homozygotes.

Submissions (2):

CeGaT Center for Human Genetics Tuebingen
Classification: Likely benign. Last evaluated: 2023-11-01. Review status: criteria provided, single submitter. Criteria: CeGaT Center For Human Genetics Tuebingen Variant Classification Criteria Version 2. Collection method: clinical testing. Allele origin: germline. Affected: yes. Observed: 1 variant allele.
Comment: HDAC4: BP4

Ambry Genetics
Classification: Uncertain significance for Inborn genetic diseases. Last evaluated: 2022-06-21. Review status: criteria provided, single submitter. Criteria: Ambry Variant Classification Scheme 2023. Collection method: clinical testing. Allele origin: germline.